The following is an entry in ClinVar:

NM_000256.3(MYBPC3):c.2413+1G>A

Gene: MYBPC3 (myosin binding protein C3; minus strand). Cytogenetic location: 11p11.2.
Variant type: single nucleotide variant.
Coding change: c.2413+1G>A on transcript NM_000256.3 (MANE Select); the canonical splice donor site of the intron after coding-DNA position 2413, G replaced by A.
Molecular consequence: splice donor variant.
Genome position (GRCh38, 1-based): chr11:47,337,689, C>T on the plus strand (G>A on the coding strand, the complement: MYBPC3 is on the minus strand). VCF-style: chr11-47337689-C-T. GRCh37 (hg19) VCF-style: chr11-47359240-C-T.
Identifiers: ClinVar variation 810754 (VCV000810754.9), dbSNP rs1595843828, ClinGen allele CA380318574.
Genomic context (GRCh38, chr11:47,337,689, plus strand): 5'-ACCACCTTCCCTCGGATCTGTTTGGCGCCCTCACACCTCCATCCGGTGCCCTTGCACTCA[C>T]CCAGGATGGGCTGCCCGCCATCGTAGGCAGGCGGCTCCCACTGTACTGTGCAGGAGTCCT-3'

ClinVar aggregate classification (germline): Pathogenic/Likely pathogenic. Review status: criteria provided, multiple submitters, no conflicts (2 of 4 stars). 4 submissions from 4 submitters: Pathogenic (2); Likely pathogenic (2). Last evaluated 2025-12-03.

Conditions:
Hypertrophic cardiomyopathy 4. Also called: Familial hypertrophic cardiomyopathy 4. Identifiers: MedGen C1861862, MONDO:0007268, OMIM 115197.
Hypertrophic cardiomyopathy. Also called: HYPERTROPHIC MYOCARDIOPATHY. Identifiers: Orphanet 217569, MedGen C0007194, MeSH D002312, MONDO:0005045, HP:0001639.
Cardiovascular phenotype. Identifiers: MedGen CN230736.

Submissions (4):

Labcorp Genetics (formerly Invitae), Labcorp
Classification: Pathogenic for Hypertrophic cardiomyopathy. Last evaluated: 2025-12-03. Review status: criteria provided, single submitter. Criteria: Invitae Variant Classification Sherloc (09022015). Collection method: clinical testing. Allele origin: germline.
Comment: This sequence change affects a donor splice site in intron 24 of the MYBPC3 gene. It is expected to disrupt RNA splicing. Variants that disrupt the donor or acceptor splice site typically lead to a loss of protein function (PMID: 16199547), and loss-of-function variants in MYBPC3 are known to be pathogenic (PMID: 19574547). This variant is not present in population databases (gnomAD no frequency). Disruption of this splice site has been observed in individual(s) with hypertrophic cardiomyopathy (PMID: 9562578, 28615295). It has also been observed to segregate with disease in related individuals. This variant is also known as IVS24+1 and Int24DSG+1. ClinVar contains an entry for this variant (Variation ID: 810754). Algorithms developed to predict the effect of sequence changes on RNA splicing suggest that this variant may disrupt the consensus splice site. For these reasons, this variant has been classified as Pathogenic.

Ambry Genetics
Classification: Likely pathogenic for Cardiovascular phenotype. Last evaluated: 2025-06-13. Review status: criteria provided, single submitter. Criteria: Ambry Variant Classification Scheme 2023. Collection method: clinical testing. Allele origin: germline.
Comment: The c.2413+1G>A intronic variant results from a G to A substitution one nucleotide after coding exon 24 of the MYBPC3 gene. Alterations that disrupt the canonical splice site are expected to result in aberrant splicing. In silico splice site analysis predicts that this alteration will weaken the native splice donor site. The resulting transcript is predicted to be in-frame and is not expected to trigger nonsense-mediated mRNA decay; however, direct evidence is unavailable. The exact functional effect of the altered amino acid sequence is unknown; however, the impacted region is critical for protein function (Ambry internal data). This variant has been detected in probands with hypertrophic cardiomyopathy and segregated with disease in a family (Niimura H et al. N Engl J Med, 1998 Apr;338:1248-57; Ingles J et al. J Med Genet, 2005 Oct;42:e59; Ehlermann P et al. BMC Med Genet, 2008 Oct;9:95Ingles J et al. Circ Cardiovasc Genet, 2017 Apr;10). This variant is considered to be rare based on population cohorts in the Genome Aggregation Database (gnomAD). This nucleotide position is highly conserved in available vertebrate species. Based on the majority of available evidence to date, this variant is likely to be pathogenic.

Molecular Diagnostic Laboratory for Inherited Cardiovascular Disease, Montreal Heart Institute
Classification: Likely pathogenic for Cardiovascular phenotype. Last evaluated: 2024-02-07. Review status: criteria provided, single submitter. Criteria: ACMG Guidelines, 2015. Collection method: clinical testing. Allele origin: germline. Affected: yes.
Comment: PVS1_mod, PS4_mod, PM2, PP5

Agnes Ginges Centre for Molecular Cardiology, Centenary Institute
Classification: Pathogenic for Hypertrophic cardiomyopathy 4. Last evaluated: 2018-10-12. Review status: criteria provided, single submitter. Criteria: ACMG Guidelines, 2015. Collection method: research. Allele origin: germline. Inheritance: Autosomal dominant inheritance. Affected: yes.
Comment: MYBPC3 c.2413+1G>A has been previously identified in 1 DCM proband and was found to segregate with a HCM/DCM phenotype in 4 other affected family members (Ehlermann P, et al., 2008). The variant is very rare, being absent from the Genome Aggregation Database. In summary the variant is located in the canonical splice site and MYBPC3 loss of function variant are known mechanism of disease, the variant is also rare, and has been found to segregate with disease, therefore we classify MYBPC3 c.2413+1G>A as 'Pathogenic'.

Literature cited by the submitters: PubMed 16199547 (cited by Labcorp Genetics (formerly Invitae), Labcorp); PubMed 19574547 (cited by Labcorp Genetics (formerly Invitae), Labcorp); PubMed 9562578 (cited by 3 submitters); PubMed 28615295 (cited by Labcorp Genetics (formerly Invitae), Labcorp and Ambry Genetics); PubMed 16199542 (cited by Ambry Genetics and Agnes Ginges Centre for Molecular Cardiology, Centenary Institute); PubMed 18957093 (cited by Ambry Genetics); PubMed 28408708 (cited by Ambry Genetics and Agnes Ginges Centre for Molecular Cardiology, Centenary Institute); PubMed 12707239 (cited by Agnes Ginges Centre for Molecular Cardiology, Centenary Institute).